The following is an entry in ClinVar:

NM_000052.7(ATP7A):c.2225A>G (p.Lys742Arg)

Gene: ATP7A (ATPase copper transporting alpha; plus strand). Cytogenetic location: Xq21.1.
Variant type: single nucleotide variant.
Coding change: c.2225A>G on transcript NM_000052.7 (MANE Select); coding-DNA position 2225, A replaced by G.
Protein change: p.Lys742Arg; replaces lysine 742 with arginine.
Molecular consequence: missense variant. On other transcripts: intron variant (1).
Genome position (GRCh38, 1-based): chrX:78,012,931, A>G. VCF-style: chrX-78012931-A-G. GRCh37 (hg19) VCF-style: chrX-77268428-A-G.
Other names: c.2172+1257A>G (NM_001282224.2); short protein forms K742R.
Identifiers: ClinVar variation 429717 (VCV000429717.30), dbSNP rs782664014, ClinGen allele CA10459243.

ClinVar aggregate classification (germline): Conflicting classifications of pathogenicity. Review status: criteria provided, conflicting classifications (1 of 4 stars). 5 submissions from 5 submitters: Uncertain significance (1); Likely benign (3). 1 of the submissions does not count toward it. Last evaluated 2026-04-01.

Conditions:
ATP7A-related disorder. Also called: ATP7A-related condition.
Cutis laxa, X-linked (OHS). Also called: EDS IX; Occipital horn syndrome. Identifiers: Orphanet 198, MedGen C0268353, MONDO:0010572, OMIM 304150.
X-linked distal spinal muscular atrophy type 3. Also called: NEURONOPATHY, DISTAL HEREDITARY MOTOR, X-LINKED; NEUROPATHY, DISTAL HEREDITARY MOTOR, X-LINKED; SPINAL MUSCULAR ATROPHY, DISTAL, X-LINKED RECESSIVE; ATP7A-Related Distal Motor Neuropathy. Identifiers: Orphanet 139557, MedGen C1845359, MONDO:0010338, OMIM 300489.
Menkes kinky-hair syndrome (MNK). Also called: Copper transport disease; Classic Menkes Disease; Menkes Disease. Identifiers: Orphanet 565, MedGen C0022716, MONDO:0010651, OMIM 309400.

Allele frequency attached by ClinVar (database versions not stated): ExAC 0.00002; gnomAD 0.00002; gnomAD exomes 0.00002 and 0.00003; TOPMed 0.00003.
gnomAD v4.1: 26 of 1,210,203 alleles (0.0021%); highest among the groups gnomAD compares: Non-Finnish European, 0.0022%; 1 homozygote.

Submissions (5):

CeGaT Center for Human Genetics Tuebingen
Classification: Likely benign. Last evaluated: 2026-04-01. Review status: criteria provided, single submitter. Criteria: CeGaT Center For Human Genetics Tuebingen Variant Classification Criteria Version 2. Collection method: clinical testing. Allele origin: germline. Affected: yes. Observed: 4 variant alleles.
Comment: ATP7A: BS2

Labcorp Genetics (formerly Invitae), Labcorp
Classification: Likely benign for X-linked distal spinal muscular atrophy type 3; Cutis laxa, X-linked; Menkes kinky-hair syndrome. Last evaluated: 2025-06-17. Review status: criteria provided, single submitter. Criteria: Invitae Variant Classification Sherloc (09022015). Collection method: clinical testing. Allele origin: germline.

PreventionGenetics, part of Exact Sciences
Classification: Uncertain significance for ATP7A-related condition. Last evaluated: 2023-06-09. Review status: criteria provided, single submitter. Criteria: ACMG Guidelines, 2015. Collection method: clinical testing. Allele origin: germline.
Comment: The ATP7A c.2225A>G variant is predicted to result in the amino acid substitution p.Lys742Arg. To our knowledge, this variant has not been reported in the literature. This variant is reported in 0.0049% of alleles in individuals of European (Non-Finnish) descent in gnomAD. At this time, the clinical significance of this variant is uncertain due to the absence of conclusive functional and genetic evidence.

GeneDx
Classification: Likely benign. Last evaluated: 2018-08-10. Review status: criteria provided, single submitter. Criteria: GeneDx Variant Classification Process June 2021. Collection method: clinical testing. Allele origin: germline. Affected: yes.
Comment: This variant is associated with the following publications: (PMID: 33151932)

Natera, Inc.
Classification: Likely benign for Menkes kinky hair syndrome. Last evaluated: 2019-10-28. Review status: no assertion criteria provided. Collection method: clinical testing. Allele origin: germline. Not counted in ClinVar's aggregate classification.